The following is an entry in ClinVar:

ClinVar aggregate classification (germline): Uncertain significance (1 of 4 stars; one submission).

Conditions:
Immunodeficiency 39 (IMD39). Identifiers: Orphanet 574918, MedGen C4225358, MONDO:0014597, OMIM 616345.

gnomAD v4.1: 14 of 1,607,382 alleles (0.00087%); highest among the groups gnomAD compares: African/African-American, 0.0027%; no homozygotes.

Submission:

Labcorp Genetics (formerly Invitae), Labcorp
Classification: Uncertain significance for Immunodeficiency 39. Last evaluated: 2024-04-15. Review status: criteria provided, single submitter. Criteria: Invitae Variant Classification Sherloc (09022015). Collection method: clinical testing. Allele origin: germline.
Comment: This sequence change falls in intron 8 of the IRF7 gene. It does not directly change the encoded amino acid sequence of the IRF7 protein. It affects a nucleotide within the consensus splice site. This variant is present in population databases (no rsID available, gnomAD 0.002%). This variant has not been reported in the literature in individuals affected with IRF7-related conditions. Variants that disrupt the consensus splice site are a relatively common cause of aberrant splicing (PMID: 17576681, 9536098). Algorithms developed to predict the effect of sequence changes on RNA splicing suggest that this variant may disrupt the consensus splice site. In summary, the available evidence is currently insufficient to determine the role of this variant in disease. Therefore, it has been classified as a Variant of Uncertain Significance.

Literature cited by the submitters: PubMed 17576681; PubMed 9536098.

NM_001572.5(IRF7):c.1357-1G>C

Gene: IRF7 (interferon regulatory factor 7; minus strand). Cytogenetic location: 11p15.5.
Variant type: single nucleotide variant.
Coding change: c.1357-1G>C on transcript NM_001572.5 (MANE Select); the canonical splice acceptor site of the intron before coding-DNA position 1357, G replaced by C.
Molecular consequence: splice acceptor variant.
Genome position (GRCh38, 1-based): chr11:612,801, C>G on the plus strand (G>C on the coding strand, the complement: IRF7 is on the minus strand). VCF-style: chr11-612801-C-G. GRCh37 (hg19) VCF-style: chr11-612801-C-G.
Other names: c.1270-1G>C (NM_004029.4); c.1396-1G>C (NM_004031.4).
Identifiers: ClinVar variation 3661237 (VCV003661237.1).
Genomic context (GRCh38, chr11:612,801, plus strand): 5'-GGAAGACACACCCTCACGCTGCGTGCCCTCTAGGTGCACTCGGCACAGCCAGGGTTCCAG[C>G]TGCCAGGAGGGATCGGGCGTCTGTCAGTGACCCGGCGTGTGTCCTCCCCTCCCCCTCCCC-3'